The following is an entry in ClinVar:

NM_013254.4(TBK1):c.1333T>C (p.Trp445Arg)

Gene: TBK1 (TANK binding kinase 1; plus strand). Cytogenetic location: 12q14.2.
Variant type: single nucleotide variant.
Coding change: c.1333T>C on transcript NM_013254.4 (MANE Select); coding-DNA position 1333, T replaced by C.
Protein change: p.Trp445Arg; replaces tryptophan 445 with arginine.
Molecular consequence: missense variant.
Genome position (GRCh38, 1-based): chr12:64,486,010, T>C. VCF-style: chr12-64486010-T-C. GRCh37 (hg19) VCF-style: chr12-64879790-T-C.
Other names: short protein forms W445R.
Identifiers: ClinVar variation 3637642 (VCV003637642.2).

ClinVar aggregate classification (germline): Uncertain significance (1 of 4 stars; one submission).

Conditions:
Frontotemporal dementia and/or amyotrophic lateral sclerosis 4. Also called: FTDALS4. Identifiers: Orphanet 275872, MedGen C4225325, MONDO:0014641, OMIM 616439.

Submission:

Labcorp Genetics (formerly Invitae), Labcorp
Classification: Uncertain significance for Frontotemporal dementia and/or amyotrophic lateral sclerosis 4. Last evaluated: 2024-09-17. Review status: criteria provided, single submitter. Criteria: Invitae Variant Classification Sherloc (09022015). Collection method: clinical testing. Allele origin: germline.
Comment: This sequence change replaces tryptophan, which is neutral and slightly polar, with arginine, which is basic and polar, at codon 445 of the TBK1 protein (p.Trp445Arg). This variant is not present in population databases (gnomAD no frequency). This variant has not been reported in the literature in individuals affected with TBK1-related conditions. Invitae Evidence Modeling of protein sequence and biophysical properties (such as structural, functional, and spatial information, amino acid conservation, physicochemical variation, residue mobility, and thermodynamic stability) indicates that this missense variant is not expected to disrupt TBK1 protein function with a negative predictive value of 95%. In summary, the available evidence is currently insufficient to determine the role of this variant in disease. Therefore, it has been classified as a Variant of Uncertain Significance.